The following is an entry in ClinVar:

NM_000264.5(PTCH1):c.237G>A (p.Leu79=)

Gene: PTCH1 (patched 1; minus strand). Cytogenetic location: 9q22.32.
Variant type: single nucleotide variant.
Coding change: c.237G>A on transcript NM_000264.5 (MANE Select); coding-DNA position 237, G replaced by A.
Protein change: p.Leu79=; no amino-acid change (leucine 79 retained).
Molecular consequence: synonymous variant. On other transcripts: 5 prime UTR variant (4), non-coding transcript variant (1).
Genome position (GRCh38, 1-based): chr9:95,506,564, C>T on the plus strand (G>A on the coding strand, the complement: PTCH1 is on the minus strand). VCF-style: chr9-95506564-C-T. GRCh37 (hg19) VCF-style: chr9-98268846-C-T.
Other names: c.39G>A, p.Leu13= (NM_001083602.3, NM_001354919.2); c.234G>A, p.Leu78= (NM_001083603.3); c.-217G>A (NM_001083604.3, NM_001083605.3, NM_001083606.3 and 1 more transcripts); c.237G>A, p.Leu79= (NM_001354918.2).
Identifiers: ClinVar variation 744944 (VCV000744944.14), dbSNP rs547602299, ClinGen allele CA5138996.
Genomic context (GRCh38, chr9:95,506,564, plus strand): 5'-GCCGCAGTTTTTTTGAATGTAACAACCCAGTTTAAATAAGAGTCTCTGAAACTTCGCTCT[C>T]AGCCACAGCGGCGCTTTCCGGCCAGTAGCCTTCCCCTGGGGACGAAGCAGAAGGGAGGAG-3'
Protein context (NP_000255.2, residues 69-89): KATGRKAPLW[Leu79=]RAKFQRLLFK

ClinVar aggregate classification (germline): Conflicting classifications of pathogenicity. Review status: criteria provided, conflicting classifications (1 of 4 stars). 3 submissions from 3 submitters: Uncertain significance (1); Likely benign (2). Last evaluated 2025-05-05.

Conditions:
Gorlin syndrome. Also called: Basal cell nevus syndrome; Nevoid Basal Cell Carcinoma Syndrome. Identifiers: Orphanet 377, MedGen C0004779, MONDO:0007187.
Hereditary cancer-predisposing syndrome. Also called: Tumor predisposition; Hereditary Cancer Syndrome; Neoplastic Syndromes, Hereditary; Hereditary neoplastic syndrome. Identifiers: Orphanet 140162, MedGen C0027672, MeSH D009386, MONDO:0015356.

Allele frequency attached by ClinVar (database versions not stated): gnomAD 0.00001; gnomAD exomes 0.00002; ExAC 0.00003; 1000 Genomes Project 30x 0.00031; 1000 Genomes Project 0.00040.
gnomAD v4.1: 2 of 1,613,060 alleles (0.00012%); highest among the groups gnomAD compares: East Asian, 0.0045%; no homozygotes.

Submissions (3):

Labcorp Genetics (formerly Invitae), Labcorp
Classification: Likely benign for Gorlin syndrome. Last evaluated: 2025-05-05. Review status: criteria provided, single submitter. Criteria: Invitae Variant Classification Sherloc (09022015). Collection method: clinical testing. Allele origin: germline.

GeneDx
Classification: Uncertain significance. Last evaluated: 2022-09-01. Review status: criteria provided, single submitter. Criteria: GeneDx Variant Classification Process June 2021. Collection method: clinical testing. Allele origin: germline. Affected: yes.
Comment: In silico analysis supports that this variant does not alter splicing; Has not been previously published as pathogenic or benign to our knowledge

Ambry Genetics
Classification: Likely benign for Hereditary cancer-predisposing syndrome. Last evaluated: 2018-11-28. Review status: criteria provided, single submitter. Criteria: Ambry Variant Classification Scheme 2023. Collection method: clinical testing. Allele origin: germline.